The following is an entry in ClinVar:

NM_001365999.1(SZT2):c.8580_8587del (p.Leu2862fs)

Gene: SZT2 (SZT2 subunit of KICSTOR complex; plus strand). Cytogenetic location: 1p34.2.
Variant type: Deletion.
Coding change: c.8580_8587del on transcript NM_001365999.1 (MANE Select); coding-DNA positions 8580 to 8587, 8 bases deleted (CTGGCTGC; older notation c.8580_8587delCTGGCTGC).
Protein change: p.Leu2862fs; shifts the reading frame from leucine 2862.
Molecular consequence: frameshift variant.
Genome position (GRCh38, 1-based): chr1:43,443,432-43,443,439, CTGGCTGC deleted; deleting any 8 consecutive bases within chr1:43,443,427-43,443,439 gives the same sequence; the c. name uses the placement nearest the transcript's 3' end. VCF-style (leftmost placement, unchanged base first): chr1-43443426-AGCTGCCTG-A. GRCh37 (hg19) VCF-style: chr1-43909097-AGCTGCCTG-A.
Other names: c.8409_8416del, p.Leu2805fs (NM_015284.4); c.21_28delCTGGCTGC, p.Leu9Alafs (NM_024547.1); short protein forms L2862fs, L2805fs.
Identifiers: ClinVar variation 2101723 (VCV002101723.4), dbSNP rs2545856529, ClinGen allele CA2580062886.

ClinVar aggregate classification (germline): Pathogenic (1 of 4 stars; one submission).

Submission:

Labcorp Genetics (formerly Invitae), Labcorp
Classification: Pathogenic. Last evaluated: 2024-01-08. Review status: criteria provided, single submitter. Criteria: Invitae Variant Classification Sherloc (09022015). Collection method: clinical testing. Allele origin: germline.
Comment: This sequence change creates a premature translational stop signal (p.Leu2805Alafs*9) in the SZT2 gene. It is expected to result in an absent or disrupted protein product. Loss-of-function variants in SZT2 are known to be pathogenic (PMID: 23932106, 27248490, 28556953). This variant is not present in population databases (gnomAD no frequency). This variant has not been reported in the literature in individuals affected with SZT2-related conditions. ClinVar contains an entry for this variant (Variation ID: 2101723). For these reasons, this variant has been classified as Pathogenic.

Literature cited by the submitters: PubMed 23932106; PubMed 27248490; PubMed 28556953.